The following is an entry in ClinVar:

ClinVar aggregate classification (germline): Pathogenic/Likely pathogenic. Review status: criteria provided, multiple submitters, no conflicts (2 of 4 stars). 2 submissions from 2 submitters: Pathogenic (1); Likely pathogenic (1). Last evaluated 2022-08-08.

Conditions:
Meckel-Gruber syndrome. Also called: Dysencephalia splachnocystica; DYSENCEPHALIA SPLANCHNOCYSTICA; GRUBER SYNDROME. Identifiers: Orphanet 564, MedGen C0265215, MONDO:0018921.
Nephronophthisis. Also called: Juvenile Nephronophthisis. Identifiers: Orphanet 655, MedGen C0687120, MONDO:0019005, HP:0000090.
Joubert syndrome. Also called: Familial aplasia of the vermis; CEREBELLOPARENCHYMAL DISORDER IV; JOUBERT-BOLTSHAUSER SYNDROME. Identifiers: Orphanet 475, MedGen C5979921, MONDO:0018772.
Bardet-Biedl syndrome 14 (BBS14). Identifiers: Orphanet 110, MedGen C2673874, MONDO:0014442, OMIM 615991.

gnomAD v4.1: 1 of 1,471,568 alleles (0.000068%); highest among the groups gnomAD compares: Admixed American, 0.0022%; no homozygotes.

Submissions (2):

Baylor Genetics
Classification: Likely pathogenic for Bardet-Biedl syndrome 14. Last evaluated: 2022-08-08. Review status: criteria provided, single submitter. Criteria: ACMG Guidelines, 2015. Collection method: clinical testing. Allele origin: unknown.

Labcorp Genetics (formerly Invitae), Labcorp
Classification: Pathogenic for Joubert syndrome; Meckel-Gruber syndrome; Nephronophthisis. Last evaluated: 2020-02-14. Review status: criteria provided, single submitter. Criteria: Invitae Variant Classification Sherloc (09022015). Collection method: clinical testing. Allele origin: germline.
Comment: This variant is not present in population databases (ExAC no frequency). This sequence change creates a premature translational stop signal (p.Glu464*) in the CEP290 gene. It is expected to result in an absent or disrupted protein product. This variant has not been reported in the literature in individuals with CEP290-related conditions. Loss-of-function variants in CEP290 are known to be pathogenic (PMID: 16909394, 17345604, 20690115, 25377065, 28559085). For these reasons, this variant has been classified as Pathogenic.

Literature cited by the submitters: PubMed 16909394 (cited by Labcorp Genetics (formerly Invitae), Labcorp); PubMed 17345604 (cited by Labcorp Genetics (formerly Invitae), Labcorp); PubMed 20690115 (cited by Labcorp Genetics (formerly Invitae), Labcorp); PubMed 25377065 (cited by Labcorp Genetics (formerly Invitae), Labcorp); PubMed 28559085 (cited by Labcorp Genetics (formerly Invitae), Labcorp).

NM_025114.4(CEP290):c.1390G>T (p.Glu464Ter)

Gene: CEP290 (centrosomal protein 290; minus strand). Cytogenetic location: 12q21.32.
Variant type: single nucleotide variant.
Coding change: c.1390G>T on transcript NM_025114.4 (MANE Select); coding-DNA position 1390, G replaced by T.
Protein change: p.Glu464Ter; replaces glutamic acid 464 with a stop codon.
Molecular consequence: nonsense.
Genome position (GRCh38, 1-based): chr12:88,120,246, C>A on the plus strand (G>T on the coding strand, the complement: CEP290 is on the minus strand). VCF-style: chr12-88120246-C-A. GRCh37 (hg19) VCF-style: chr12-88514023-C-A.
Other names: short protein forms E464*.
Identifiers: ClinVar variation 957911 (VCV000957911.9), dbSNP rs1437841365, ClinGen allele CA385980173.